The following is an entry in ClinVar:

NM_001379286.1(ZNF423):c.2605A>G (p.Met869Val)

Gene: ZNF423 (zinc finger protein 423; minus strand). Cytogenetic location: 16q12.1.
Variant type: single nucleotide variant.
Coding change: c.2605A>G on transcript NM_001379286.1 (MANE Select); coding-DNA position 2605, A replaced by G.
Protein change: p.Met869Val; replaces methionine 869 with valine.
Molecular consequence: missense variant.
Genome position (GRCh38, 1-based): chr16:49,636,571, T>C on the plus strand (A>G on the coding strand, the complement: ZNF423 is on the minus strand). VCF-style: chr16-49636571-T-C. GRCh37 (hg19) VCF-style: chr16-49670482-T-C.
Other names: c.2401A>G, p.Met801Val (NM_001271620.2); c.2230A>G, p.Met744Val (NM_001330533.2); c.2581A>G, p.Met861Val (NM_015069.5); c.2581A>G (NM_015069.4); short protein forms M744V, M861V, M801V, M869V.
Identifiers: ClinVar variation 1501447 (VCV001501447.8), dbSNP rs762086382, ClinGen allele CA8046468.

ClinVar aggregate classification (germline): Uncertain significance. Review status: criteria provided, multiple submitters, no conflicts (2 of 4 stars). 2 submissions from 2 submitters: Uncertain significance (2). Last evaluated 2026-07-14.

Conditions:
ZNF423-related disorder. Also called: ZNF423-related condition.
Nephronophthisis 14 (NPHP14). Identifiers: Orphanet 2318, MedGen C3539071, MONDO:0013916, OMIM 614844.

Allele frequency attached by ClinVar (database versions not stated): gnomAD 0.00001 and 0.00002; gnomAD exomes 0.00001 and 0.00002; TOPMed 0.00001; ExAC 0.00002.
gnomAD v4.1: 12 of 1,613,884 alleles (0.00074%); highest among the groups gnomAD compares: Middle Eastern, 0.016%; no homozygotes.

Submissions (2):

PreventionGenetics, part of Exact Sciences
Classification: Uncertain significance for ZNF423-related condition. Last evaluated: 2026-07-14. Review status: criteria provided, single submitter. Criteria: ACMG Guidelines, 2015. Collection method: clinical testing. Allele origin: germline.
Comment: The ZNF423 c.2581A>G variant is predicted to result in the amino acid substitution p.Met861Val. To our knowledge, this variant has not been reported in the literature. This variant is reported in 0.0065% of alleles in individuals of South Asian descent in gnomAD. At this time, the clinical significance of this variant is uncertain due to the absence of conclusive functional and genetic evidence.

Labcorp Genetics (formerly Invitae), Labcorp
Classification: Uncertain significance for Nephronophthisis 14. Last evaluated: 2024-01-19. Review status: criteria provided, single submitter. Criteria: Invitae Variant Classification Sherloc (09022015). Collection method: clinical testing. Allele origin: germline.
Comment: This sequence change replaces methionine, which is neutral and non-polar, with valine, which is neutral and non-polar, at codon 861 of the ZNF423 protein (p.Met861Val). This variant is present in population databases (rs762086382, gnomAD 0.006%). This variant has not been reported in the literature in individuals affected with ZNF423-related conditions. ClinVar contains an entry for this variant (Variation ID: 1501447). Advanced modeling of protein sequence and biophysical properties (such as structural, functional, and spatial information, amino acid conservation, physicochemical variation, residue mobility, and thermodynamic stability) performed at Invitae indicates that this missense variant is not expected to disrupt ZNF423 protein function with a negative predictive value of 80%. In summary, the available evidence is currently insufficient to determine the role of this variant in disease. Therefore, it has been classified as a Variant of Uncertain Significance.